The following is an entry in ClinVar:

ClinVar aggregate classification (germline): Uncertain significance (1 of 4 stars; one submission).

Conditions:
Hereditary cancer-predisposing syndrome. Also called: Neoplastic Syndromes, Hereditary; Tumor predisposition; Hereditary Cancer Syndrome; Hereditary neoplastic syndrome. Identifiers: Orphanet 140162, MedGen C0027672, MeSH D009386, MONDO:0015356.

Submission:

Ambry Genetics
Classification: Uncertain significance for Hereditary cancer-predisposing syndrome. Last evaluated: 2025-09-21. Review status: criteria provided, single submitter. Criteria: Ambry Variant Classification Scheme 2023. Collection method: clinical testing. Allele origin: germline.
Comment: The p.A2213T variant (also known as c.6637G>A), located in coding exon 47 of the POLE gene, results from a G to A substitution at nucleotide position 6637. The alanine at codon 2213 is replaced by threonine, an amino acid with similar properties. This amino acid position is conserved. In addition, this alteration is predicted to be tolerated by in silico analysis. Based on the available evidence, the clinical significance of this variant remains unclear.

NM_006231.4(POLE):c.6637G>A (p.Ala2213Thr)

Gene: POLE (DNA polymerase epsilon, catalytic subunit; minus strand). Cytogenetic location: 12q24.33.
Variant type: single nucleotide variant.
Coding change: c.6637G>A on transcript NM_006231.4 (MANE Select); coding-DNA position 6637, G replaced by A.
Protein change: p.Ala2213Thr; replaces alanine 2213 with threonine.
Molecular consequence: missense variant.
Genome position (GRCh38, 1-based): chr12:132,625,665, C>T on the plus strand (G>A on the coding strand, the complement: POLE is on the minus strand). VCF-style: chr12-132625665-C-T. GRCh37 (hg19) VCF-style: chr12-133202251-C-T.
Other names: short protein forms A2213T.
Identifiers: ClinVar variation 4670890 (VCV004670890.1).